The following is an entry in ClinVar:

ClinVar aggregate classification (germline): Benign/Likely benign. Review status: criteria provided, multiple submitters, no conflicts (2 of 4 stars). 6 submissions from 6 submitters: Benign (3); Likely benign (3). Last evaluated 2026-08-01.

Conditions:
Renal hypomagnesemia 6. Identifiers: Orphanet 34527, MedGen C3151295, MONDO:0013480, OMIM 613882.
Hypomagnesemia, seizures, and impaired intellectual development 1. Also called: Hypomagnesemia, seizures, and intellectual disability 1. Identifiers: Orphanet 34527, MedGen C4225333, MONDO:0020787, OMIM 616418.

Allele frequency attached by ClinVar (database versions not stated): gnomAD 0.00029 and 0.00052; 1000 Genomes Project 30x 0.00500; 1000 Genomes Project 0.00519; TOPMed 0.00031.
gnomAD v4.1: 382 of 1,595,592 alleles (0.024%); highest among the groups gnomAD compares: East Asian, 0.52%; 2 homozygotes.

Submissions (6):

CeGaT Center for Human Genetics Tuebingen
Classification: Likely benign. Last evaluated: 2026-08-01. Review status: criteria provided, single submitter. Criteria: CeGaT Center For Human Genetics Tuebingen Variant Classification Criteria Version 2. Collection method: clinical testing. Allele origin: germline. Affected: yes. Observed: 4 variant alleles.
Comment: CNNM2: BP4, BP7

Revvity Omics, Revvity
Classification: Benign. Last evaluated: 2026-05-05. Review status: criteria provided, single submitter. Criteria: ACMG Guidelines, 2015. Collection method: clinical testing. Allele origin: germline.

Labcorp Genetics (formerly Invitae), Labcorp
Classification: Benign. Last evaluated: 2026-01-26. Review status: criteria provided, single submitter. Criteria: Invitae Variant Classification Sherloc (09022015). Collection method: clinical testing. Allele origin: germline.

Blueprint Genetics
Classification: Likely benign. Last evaluated: 2024-11-21. Review status: criteria provided, single submitter. Criteria: ACMG Guidelines, 2015. Collection method: clinical testing. Allele origin: germline.

Fulgent Genetics
Classification: Likely benign for Renal hypomagnesemia 6; Hypomagnesemia, seizures, and impaired intellectual development 1. Last evaluated: 2021-09-15. Review status: criteria provided, single submitter. Criteria: ACMG Guidelines, 2015. Collection method: clinical testing. Allele origin: unknown.

Illumina Laboratory Services, Illumina
Classification: Benign for Renal hypomagnesemia 6. Last evaluated: 2018-01-13. Review status: criteria provided, single submitter. Criteria: ICSL Variant Classification Criteria 13 December 2019. Collection method: clinical testing. Allele origin: germline.
Comment: This variant was observed in the ICSL laboratory as part of a predisposition screen in an ostensibly healthy population. It had not been previously curated by ICSL or reported in the Human Gene Mutation Database (HGMD: prior to June 1st, 2018), and was therefore a candidate for classification through an automated scoring system. Utilizing variant allele frequency, disease prevalence and penetrance estimates, and inheritance mode, an automated score was calculated to assess if this variant is too frequent to cause the disease. Based on the score and internal cut-off values, a variant classified as benign is not then subjected to further curation. The score for this variant resulted in a classification of benign for this disease.

NM_017649.5(CNNM2):c.342G>T (p.Thr114=)

Gene: CNNM2 (cyclin and CBS domain divalent metal cation transport mediator 2; plus strand). Cytogenetic location: 10q24.32.
Variant type: single nucleotide variant.
Coding change: c.342G>T on transcript NM_017649.5 (MANE Select); coding-DNA position 342, G replaced by T.
Protein change: p.Thr114=; no amino-acid change (threonine 114 retained).
Molecular consequence: synonymous variant.
Genome position (GRCh38, 1-based): chr10:102,918,822, G>T. VCF-style: chr10-102918822-G-T. GRCh37 (hg19) VCF-style: chr10-104678579-G-T.
Other names: c.342G>T, p.Thr114= (NM_199076.3, NM_199077.3).
Identifiers: ClinVar variation 298637 (VCV000298637.39), dbSNP rs375416482, ClinGen allele CA5670251.